The following is an entry in ClinVar:

NM_001386795.1(DTNA):c.*2690T>C

Gene: DTNA (dystrobrevin alpha; plus strand). Cytogenetic location: 18q12.1.
Variant type: single nucleotide variant.
Coding change: c.*2690T>C on transcript NM_001386795.1 (MANE Select); 2690 bases downstream of the stop codon, T replaced by C.
Molecular consequence: 3 prime UTR variant. On other transcripts: missense variant (2).
Genome position (GRCh38, 1-based): chr18:34,890,424, T>C. VCF-style: chr18-34890424-T-C. GRCh37 (hg19) VCF-style: chr18-32470388-T-C.
Other names: c.2159T>C, p.Phe720Ser (NM_001198938.2, NM_001386753.1); c.*2690T>C (NM_001198939.2, NM_001198940.2, NM_001198942.1 and 12 more transcripts); c.*156T>C (NM_001386755.1, NM_001386756.1, NM_001386759.1 and 7 more transcripts); short protein forms F720S.
Identifiers: ClinVar variation 452199 (VCV000452199.1), dbSNP rs1382811716, ClinGen allele CA402170724.

ClinVar aggregate classification (germline): Uncertain significance (1 of 4 stars; one submission).

Allele frequency attached by ClinVar (database versions not stated): gnomAD exomes 0.00002; gnomAD 0.00001.
gnomAD v4.1: 13 of 1,536,018 alleles (0.00085%); highest among the groups gnomAD compares: East Asian, 0.032%; no homozygotes.

Submission:

GeneDx
Classification: Uncertain significance. Last evaluated: 2017-09-19. Review status: criteria provided, single submitter. Criteria: GeneDx Variant Classification (06012015). Collection method: clinical testing. Allele origin: germline. Affected: yes.
Comment: A variant of uncertain significance has been identified in the DNTA gene. The F720S variant has not been published as pathogenic or been reported as benign to our knowledge. This variant is also not observed in large population cohorts (Lek et al., 2016). The F720S variant is a non-conservative amino acid substitution, which is likely to impact secondary protein structure as these residues differ in polarity, charge, size and/or other properties. Additionally, this substitution occurs at a position that is conserved across species and in silico analysis predicts this variant is probably damaging to the protein structure/function. Nevertheless, this variant occurs in an alternate transcript of the DTNA gene, where no other variants have been reported in HGMD in association with disease (Stenson et al., 2014). Furthermore, this variant has not been observed in a significant number of affected individuals and it lacks both segregation and functional studies which would further clarify its pathogenicity.